The following is an entry in ClinVar:

ClinVar aggregate classification (germline): Likely pathogenic (1 of 4 stars; one submission).

Conditions:
Meckel syndrome, type 1 (MKS1). Also called: MECKEL-GRUBER SYNDROME, TYPE 1. Identifiers: Orphanet 564, MedGen C3714506, MONDO:0009571, OMIM 249000.

Submission:

Natera, Inc.
Classification: Likely pathogenic for Meckel syndrome type 1. Last evaluated: 2025-09-29. Review status: criteria provided, single submitter. Criteria: Natera Variant Classification Schema (03/2026). Collection method: clinical testing. Allele origin: germline.
Comment: The c.1411del variant in MKS1 is a frameshift variant predicted to shift the reading frame beginning at codon 471 and leads to a stop codon 3 codons downstream. This variant is expected to result in nonsense mediated decay, truncation, or a dysfunctional protein product. This variant is rare in the general population with a frequency below the threshold expected for the associated phenotype(s). Given the available evidence, this variant is classified as Likely Pathogenic.

NM_017777.3(MKS1):c.1411del

Gene: MKS1 (MKS transition zone complex subunit 1; minus strand). Cytogenetic location: 17q22.
Variant type: Deletion.
Coding change: c.1411del on transcript NM_017777.3; coding-DNA position 1411, one base deleted (G; older notation c.1411delG).
Molecular consequence: intron variant (on NM_001330397.2).
Genome position (GRCh38, 1-based): chr17:58,206,544, C deleted on the plus strand (G on the coding strand, the reverse complement: MKS1 is on the minus strand); the first of 5 consecutive C bases (chr17:58,206,544-58,206,548); deleting any one gives the same sequence. VCF-style (leftmost placement, unchanged base first): chr17-58206543-TC-T. GRCh37 (hg19) VCF-style: chr17-56283904-TC-T.
Other names: c.1274-164del (NM_001330397.2); c.1408-164del (NM_001321269.2).
Identifiers: ClinVar variation 4815910 (VCV004815910.1).
Genomic context (GRCh38, chr17:58,206,543, plus strand): 5'-TGCAAGCGGAAGGTGACAGTGCCTGTGGTCTCTGTGCGGAGTCCAAAGCGGCTCAGGCGT[TC>T]CCCCTGTGGCATGCCATTGGGACAGCCTCAGGTTTCTGCTCTCTCTAGACACCCCCGCAC-3'